The following is an entry in ClinVar:

NM_182972.3(IRF2BP2):c.316G>C (p.Ala106Pro)

Genes: IRF2BP2 (interferon regulatory factor 2 binding protein 2; minus strand), LOC129932812 (ATAC-STARR-seq lymphoblastoid silent region 1977; plus strand). Cytogenetic location: 1q42.3.
Variant type: single nucleotide variant.
Coding change: c.316G>C on transcript NM_182972.3 (MANE Select); coding-DNA position 316, G replaced by C.
Protein change: p.Ala106Pro; replaces alanine 106 with proline.
Molecular consequence: missense variant.
Genome position (GRCh38, 1-based): chr1:234,609,179, C>G on the plus strand (G>C on the coding strand, the complement: IRF2BP2 is on the minus strand). VCF-style: chr1-234609179-C-G. GRCh37 (hg19) VCF-style: chr1-234744925-C-G.
Other names: c.316G>C, p.Ala106Pro (NM_001077397.1); short protein forms A106P.
Identifiers: ClinVar variation 2760514 (VCV002760514.3), dbSNP rs1161508752, ClinGen allele CA345311195.
Genomic context (GRCh38, chr1:234,609,179, plus strand): 5'-GCCTCTCGGCCGCGGCCGCCAACGGGTAGCGCTCCAAGGCCTGCGGCGCGCGCGGGGCCG[C>G]CTCGGGGCCGCCGTGGCCAAGCTGCTGCTGCTGCTGCAAAAGGATGTCCTTGGCGGAGAG-3'
Protein context (NP_892017.2, residues 96-116): QQQLGHGGPE[Ala106Pro]APRAPQALER

ClinVar aggregate classification (germline): Uncertain significance (1 of 4 stars; one submission).

gnomAD v4.1: 1 of 1,288,250 alleles (0.000078%); highest among the groups gnomAD compares: Non-Finnish European, 0.000098%; no homozygotes.

Submission:

Labcorp Genetics (formerly Invitae), Labcorp
Classification: Uncertain significance. Last evaluated: 2023-10-08. Review status: criteria provided, single submitter. Criteria: Invitae Variant Classification Sherloc (09022015). Collection method: clinical testing. Allele origin: germline.
Comment: This sequence change replaces alanine, which is neutral and non-polar, with proline, which is neutral and non-polar, at codon 106 of the IRF2BP2 protein (p.Ala106Pro). This variant is not present in population databases (gnomAD no frequency). This variant has not been reported in the literature in individuals affected with IRF2BP2-related conditions. An algorithm developed to predict the effect of missense changes on protein structure and function (PolyPhen-2) suggests that this variant is likely to be disruptive. In summary, the available evidence is currently insufficient to determine the role of this variant in disease. Therefore, it has been classified as a Variant of Uncertain Significance.